The following is an entry in ClinVar:

NM_002055.5(GFAP):c.1171+423G>A

Gene: GFAP (glial fibrillary acidic protein; minus strand). Cytogenetic location: 17q21.31.
Variant type: single nucleotide variant.
Coding change: c.1171+423G>A on transcript NM_002055.5 (MANE Select); 423 bases into the intron after coding-DNA position 1171, G replaced by A.
Molecular consequence: intron variant. On other transcripts: missense variant (2), 3 prime UTR variant (1).
Genome position (GRCh38, 1-based): chr17:44,910,192, C>T on the plus strand (G>A on the coding strand, the complement: GFAP is on the minus strand). VCF-style: chr17-44910192-C-T. GRCh37 (hg19) VCF-style: chr17-42987560-C-T.
Other names: c.1240G>A, p.Val414Ile (NM_001131019.3, NM_001363846.2); c.*277G>A (NM_001242376.3); short protein forms V414I.
Identifiers: ClinVar variation 1607792 (VCV001607792.8), dbSNP rs749236721, ClinGen allele CA399840651.
Genomic context (GRCh38, chr17:44,910,192, plus strand): 5'-GCAGCTAACCGCGAGCCGGCGGCGTTCCATTTACAATCTGGTGAGCCTGTATTGGTATAA[C>T]TCGTATTGTGAGGCTTTTGAGATATCTTGTGACCTTGTGATTTTCCCCGTCTTTGGTGCT-3'

ClinVar aggregate classification (germline): Uncertain significance (1 of 4 stars; one submission).

Submission:

Labcorp Genetics (formerly Invitae), Labcorp
Classification: Uncertain significance. Last evaluated: 2024-10-15. Review status: criteria provided, single submitter. Criteria: Invitae Variant Classification Sherloc (09022015). Collection method: clinical testing. Allele origin: germline.
Comment: The GFAP gene has multiple clinically relevant transcripts. This variant occurs in alternate transcript NM_001131019.2, and corresponds to NM_002055.4:c.1171+423G>A in the primary transcript. This sequence change replaces valine, which is neutral and non-polar, with isoleucine, which is neutral and non-polar, at codon 414 of the GFAP protein (p.Val414Ile). This variant is not present in population databases (gnomAD no frequency). This variant has not been reported in the literature in individuals affected with GFAP-related conditions. ClinVar contains an entry for this variant (Variation ID: 1607792). Experimental studies and prediction algorithms are not available or were not evaluated, and the functional significance of this variant is currently unknown. Algorithms developed to predict the effect of sequence changes on RNA splicing suggest that this variant is not likely to affect RNA splicing. In summary, the available evidence is currently insufficient to determine the role of this variant in disease. Therefore, it has been classified as a Variant of Uncertain Significance.